The following is an entry in ClinVar:

NM_177972.3(TUB):c.1257G>A (p.Thr419=)

Genes: RIC3 (RIC3 acetylcholine receptor chaperone; minus strand), TUB (TUB bipartite transcription factor; plus strand). Cytogenetic location: 11p15.4.
Variant type: single nucleotide variant.
Coding change: c.1257G>A on transcript NM_177972.3 (MANE Select); coding-DNA position 1257, G replaced by A.
Protein change: p.Thr419=; no amino-acid change (threonine 419 retained).
Molecular consequence: synonymous variant.
Genome position (GRCh38, 1-based): chr11:8,100,867, G>A. VCF-style: chr11-8100867-G-A. GRCh37 (hg19) VCF-style: chr11-8122414-G-A.
Other names: c.1422G>A, p.Thr474= (NM_003320.5).
Identifiers: ClinVar variation 717347 (VCV000717347.14), dbSNP rs17847537, ClinGen allele CA5871454.

ClinVar aggregate classification (germline): Benign. Review status: criteria provided, multiple submitters, no conflicts (2 of 4 stars). 3 submissions from 3 submitters: Benign (2). 1 of the submissions does not count toward it. Last evaluated 2026-01-01.

Conditions:
TUB-related disorder. Also called: TUB-related condition.

Allele frequency attached by ClinVar (database versions not stated): ESP Exome Variant Server 0.00008; gnomAD 0.00086 and 0.00119; TOPMed 0.00179; ExAC 0.00283; gnomAD exomes 0.00296; 1000 Genomes Project 30x 0.00500; 1000 Genomes Project 0.00539.
gnomAD v4.1: 1,624 of 1,614,140 alleles (0.1%); highest among the groups gnomAD compares: East Asian, 3%; 25 homozygotes.

Submissions (3):

Labcorp Genetics (formerly Invitae), Labcorp
Classification: Benign. Last evaluated: 2026-01-01. Review status: criteria provided, single submitter. Criteria: Invitae Variant Classification Sherloc (09022015). Collection method: clinical testing. Allele origin: germline.

Breakthrough Genomics
Classification: Benign. Review status: criteria provided, single submitter. Criteria: ACMG Guidelines, 2015. Collection method: not provided. Allele origin: germline. Inheritance: Autosomal recessive inheritance. Affected: yes.

PreventionGenetics, part of Exact Sciences
Classification: Likely benign for TUB-related condition. Last evaluated: 2019-07-26. Review status: no assertion criteria provided. Collection method: clinical testing. Allele origin: germline. Not counted in ClinVar's aggregate classification.
Comment: This variant is classified as likely benign based on ACMG/AMP sequence variant interpretation guidelines (Richards et al. 2015 PMID: 25741868, with internal and published modifications).